The following is an entry in ClinVar:

ClinVar aggregate classification (germline): Uncertain significance (1 of 4 stars; one submission).

Conditions:
Dyskeratosis congenita, autosomal recessive 6 (DKCB6). Identifiers: MedGen C4225356, MONDO:0014600, OMIM 616353.
Pulmonary fibrosis and/or bone marrow failure, Telomere-related, 4. Also called: PULMONARY FIBROSIS AND/OR BONE MARROW FAILURE SYNDROME, TELOMERE-RELATED, 4. Identifiers: Orphanet 2032, MedGen C4225347, MONDO:0014612, OMIM 616371.

Allele frequency attached by ClinVar (database versions not stated): gnomAD 0.00001; gnomAD exomes 0.00001.
gnomAD v4.1: 13 of 1,566,112 alleles (0.00083%); highest among the groups gnomAD compares: Non-Finnish European, 0.0011%; no homozygotes.

Submission:

Labcorp Genetics (formerly Invitae), Labcorp
Classification: Uncertain significance for Dyskeratosis congenita, autosomal recessive 6; Pulmonary fibrosis and/or bone marrow failure, Telomere-related, 4. Last evaluated: 2023-09-08. Review status: criteria provided, single submitter. Criteria: Invitae Variant Classification Sherloc (09022015). Collection method: clinical testing. Allele origin: germline.
Comment: Advanced modeling of protein sequence and biophysical properties (such as structural, functional, and spatial information, amino acid conservation, physicochemical variation, residue mobility, and thermodynamic stability) performed at Invitae indicates that this missense variant is not expected to disrupt PARN protein function. In summary, the available evidence is currently insufficient to determine the role of this variant in disease. Therefore, it has been classified as a Variant of Uncertain Significance. This variant has not been reported in the literature in individuals affected with PARN-related conditions. This sequence change replaces threonine, which is neutral and polar, with alanine, which is neutral and non-polar, at codon 206 of the PARN protein (p.Thr206Ala). The frequency data for this variant in the population databases is considered unreliable, as metrics indicate poor data quality at this position in the gnomAD database.

NM_002582.4(PARN):c.616A>G (p.Thr206Ala)

Gene: PARN (poly(A)-specific ribonuclease; minus strand). Cytogenetic location: 16p13.12.
Variant type: single nucleotide variant.
Coding change: c.616A>G on transcript NM_002582.4 (MANE Select); coding-DNA position 616, A replaced by G.
Protein change: p.Thr206Ala; replaces threonine 206 with alanine.
Molecular consequence: missense variant.
Genome position (GRCh38, 1-based): chr16:14,609,062, T>C on the plus strand (A>G on the coding strand, the complement: PARN is on the minus strand). VCF-style: chr16-14609062-T-C. GRCh37 (hg19) VCF-style: chr16-14702919-T-C.
Other names: c.433A>G, p.Thr145Ala (NM_001134477.3); c.478A>G, p.Thr160Ala (NM_001242992.2); short protein forms T206A, T145A, T160A.
Identifiers: ClinVar variation 2929896 (VCV002929896.3), dbSNP rs548673359, ClinGen allele CA278533141.
Genomic context (GRCh38, chr16:14,609,062, plus strand): 5'-ACAAACCATCTACCTTTCCAAAAAAAGGACATGCAGAAATGTTCAGGACAACTAACCCGG[T>C]ACATGGCTCTAAATCCAAGTTCTTGTTTTCTTCACTTTGTAATAAATCCTCTATTTTCTC-3'
Protein context (NP_002573.1, residues 196-216): ENKNLDLEPC[Thr206Ala]GFQRKLIYQT